The following is an entry in ClinVar:

NM_017671.4(FERMT1):c.-456C>A

Gene: FERMT1 (FERM domain containing kindlin 1; minus strand). Cytogenetic location: 20p12.3.
Variant type: single nucleotide variant.
Coding change: c.-456C>A on transcript NM_017671.4; 456 bases upstream of the start codon, C replaced by A.
Genome position (GRCh38, 1-based): chr20:6,123,211, G>T on the plus strand (C>A on the coding strand, the complement: FERMT1 is on the minus strand). VCF-style: chr20-6123211-G-T. GRCh37 (hg19) VCF-style: chr20-6103858-G-T.
Identifiers: ClinVar variation 339250 (VCV000339250.8), dbSNP rs80350329, ClinGen allele CA10652761.
Genomic context (GRCh38, chr20:6,123,211, plus strand): 5'-GGCAAAGGGTGGCCGAAGGGCTGCTCGGCGGAGAGAAGGCGGCGAGAACCCGGGGCGCAC[G>T]CTCAGTATCTGCAGCTCCTCTTGCGATGTCTCATCCTGACGCTTTAAGGCCGCCTCCAGT-3'

ClinVar aggregate classification (germline): Benign. Review status: criteria provided, multiple submitters, no conflicts (2 of 4 stars). 2 submissions from 2 submitters: Benign (2). Last evaluated 2018-01-12.

Conditions:
Kindler syndrome (KNDLRS). Also called: Poikiloderma of Kindler; Congenital bullous poikiloderma; POIKILODERMA, CONGENITAL, WITH BULLAE, WEARY TYPE; POIKILODERMA, HEREDITARY ACROKERATOTIC; BULLOUS ACROKERATOTIC POIKILODERMA OF KINDLER AND WEARY; Kindler's syndrome. Identifiers: Orphanet 2908, Orphanet 306539, MedGen C0406557, MONDO:0008260, OMIM 173650.

Allele frequency attached by ClinVar (database versions not stated): TOPMed 0.00277; gnomAD 0.00220 and 0.00259; 1000 Genomes Project 0.00779; gnomAD exomes 0.00246; 1000 Genomes Project 30x 0.00906.

Submissions (2):

Illumina Laboratory Services, Illumina
Classification: Benign for Kindler syndrome. Last evaluated: 2018-01-12. Review status: criteria provided, single submitter. Criteria: ICSL Variant Classification Criteria 13 December 2019. Collection method: clinical testing. Allele origin: germline.
Comment: This variant was observed in the ICSL laboratory as part of a predisposition screen in an ostensibly healthy population. It had not been previously curated by ICSL or reported in the Human Gene Mutation Database (HGMD: prior to June 1st, 2018), and was therefore a candidate for classification through an automated scoring system. Utilizing variant allele frequency, disease prevalence and penetrance estimates, and inheritance mode, an automated score was calculated to assess if this variant is too frequent to cause the disease. Based on the score and internal cut-off values, a variant classified as benign is not then subjected to further curation. The score for this variant resulted in a classification of benign for this disease.

Breakthrough Genomics
Classification: Benign. Review status: criteria provided, single submitter. Criteria: ACMG Guidelines, 2015. Collection method: not provided. Allele origin: germline. Inheritance: Autosomal recessive inheritance. Affected: yes.